The following is an entry in ClinVar:

ClinVar aggregate classification (germline): Likely benign (1 of 4 stars; one submission).

Conditions:
TNXB-related disorder. Also called: TNXB-related condition.

gnomAD v4.1: 7 of 1,613,110 alleles (0.00043%); highest among the groups gnomAD compares: Non-Finnish European, 0.00059%; no homozygotes.

Submission:

PreventionGenetics, part of Exact Sciences
Classification: Likely benign for TNXB-related condition. Last evaluated: 2026-07-29. Review status: criteria provided, single submitter. Criteria: ACMG Guidelines, 2015. Collection method: clinical testing. Allele origin: germline.
Comment: This variant is classified as likely benign based on ACMG/AMP sequence variant interpretation guidelines (Richards et al. 2015 PMID: 25741868, with internal and published modifications).

NM_001365276.2(TNXB):c.2058C>T (p.Ser686=)

Gene: TNXB (tenascin XB; minus strand). Cytogenetic location: 6p21.33.
Variant type: single nucleotide variant.
Coding change: c.2058C>T on transcript NM_001365276.2 (MANE Select); coding-DNA position 2058, C replaced by T.
Protein change: p.Ser686=; no amino-acid change (serine 686 retained).
Molecular consequence: synonymous variant.
Genome position (GRCh38, 1-based): chr6:32,095,795, G>A on the plus strand (C>T on the coding strand, the complement: TNXB is on the minus strand). VCF-style: chr6-32095795-G-A. GRCh37 (hg19) VCF-style: chr6-32063572-G-A.
Other names: c.2058C>T, p.Ser686= (NM_001428335.1, NM_019105.8).
Identifiers: ClinVar variation 4996385 (VCV004996385.1).
Genomic context (GRCh38, chr6:32,095,795, plus strand): 5'-TACACACACACACTGGCCTGCCCGGCACAGTTCCCGGGGCCCGCAGCCTCCAGGGCAGGC[G>A]CTGGCTGGAGGCTCTTCCTGCCCGCAGTCCTCACCGCCATAGCCCACGTGGCACAGGCAC-3'
Protein context (NP_001352205.1, residues 676-696): EDCGQEEPPA[Ser686=]ACPGGCGPRE